The following is an entry in ClinVar:

NM_015267.4(CUX2):c.357C>T (p.Pro119=)

Gene: CUX2 (cut like homeobox 2; plus strand). Cytogenetic location: 12q24.11.
Variant type: single nucleotide variant.
Coding change: c.357C>T on transcript NM_015267.4 (MANE Select); coding-DNA position 357, C replaced by T.
Protein change: p.Pro119=; no amino-acid change (proline 119 retained).
Molecular consequence: synonymous variant.
Genome position (GRCh38, 1-based): chr12:111,291,473, C>T. VCF-style: chr12-111291473-C-T. GRCh37 (hg19) VCF-style: chr12-111729277-C-T.
Other names: c.171C>T, p.Pro57= (NM_001370598.1).
Identifiers: ClinVar variation 3905684 (VCV003905684.10).

ClinVar aggregate classification (germline): Likely benign (1 of 4 stars; one submission).

gnomAD v4.1: 2 of 1,612,890 alleles (0.00012%); highest among the groups gnomAD compares: Admixed American, 0.0017%; no homozygotes.

Submission:

CeGaT Center for Human Genetics Tuebingen
Classification: Likely benign. Last evaluated: 2025-06-01. Review status: criteria provided, single submitter. Criteria: CeGaT Center For Human Genetics Tuebingen Variant Classification Criteria Version 2. Collection method: clinical testing. Allele origin: germline. Affected: yes. Observed: 1 variant allele.
Comment: CUX2: BP4, BP7